The following is an entry in ClinVar:

ClinVar aggregate classification (germline): Conflicting classifications of pathogenicity. Review status: criteria provided, conflicting classifications (1 of 4 stars). 5 submissions from 5 submitters: Uncertain significance (3); Likely benign (2). Last evaluated 2024-08-28.

Conditions:
Intellectual disability, autosomal dominant 16 (CSS4). Also called: COFFIN-SIRIS SYNDROME 4. Identifiers: Orphanet 1465, MedGen C3553249, MONDO:0013821, OMIM 614609.
Rhabdoid tumor predisposition syndrome 2 (RTPS2). Identifiers: Orphanet 231108, Orphanet 69077, MedGen C2750074, MONDO:0013224, OMIM 613325.
Hereditary cancer-predisposing syndrome. Also called: Hereditary neoplastic syndrome; Neoplastic Syndromes, Hereditary; Hereditary Cancer Syndrome; Tumor predisposition. Identifiers: Orphanet 140162, MedGen C0027672, MeSH D009386, MONDO:0015356.

Allele frequency attached by ClinVar (database versions not stated): gnomAD exomes 0.00001; TOPMed 0.00001; ExAC 0.00002.
gnomAD v4.1: 3 of 1,614,012 alleles (0.00019%); highest among the groups gnomAD compares: East Asian, 0.0067%; no homozygotes.

Submissions (5):

Labcorp Genetics (formerly Invitae), Labcorp
Classification: Uncertain significance for Rhabdoid tumor predisposition syndrome 2. Last evaluated: 2024-08-28. Review status: criteria provided, single submitter. Criteria: Invitae Variant Classification Sherloc (09022015). Collection method: clinical testing. Allele origin: germline.
Comment: This sequence change replaces asparagine, which is neutral and polar, with histidine, which is basic and polar, at codon 91 of the SMARCA4 protein (p.Asn91His). This variant is present in population databases (rs755987663, gnomAD 0.01%). This variant has not been reported in the literature in individuals affected with SMARCA4-related conditions. ClinVar contains an entry for this variant (Variation ID: 484913). Invitae Evidence Modeling of protein sequence and biophysical properties (such as structural, functional, and spatial information, amino acid conservation, physicochemical variation, residue mobility, and thermodynamic stability) indicates that this missense variant is not expected to disrupt SMARCA4 protein function with a negative predictive value of 95%. In summary, the available evidence is currently insufficient to determine the role of this variant in disease. Therefore, it has been classified as a Variant of Uncertain Significance.

CeGaT Center for Human Genetics Tuebingen
Classification: Likely benign. Last evaluated: 2024-06-01. Review status: criteria provided, single submitter. Criteria: CeGaT Center For Human Genetics Tuebingen Variant Classification Criteria Version 2. Collection method: clinical testing. Allele origin: germline. Affected: yes. Observed: 1 variant allele.
Comment: SMARCA4: BP4

Ambry Genetics
Classification: Likely benign for Hereditary cancer-predisposing syndrome. Last evaluated: 2024-03-12. Review status: criteria provided, single submitter. Criteria: Ambry Variant Classification Scheme 2023. Collection method: clinical testing. Allele origin: germline.

St. Jude Molecular Pathology, St. Jude Children's Research Hospital
Classification: Uncertain significance for Rhabdoid tumor predisposition syndrome 2. Last evaluated: 2023-07-06. Review status: criteria provided, single submitter. Criteria: St. Jude Assertion Criteria 2020. Collection method: clinical testing. Allele origin: germline.
Comment: The SMARCA4 c.271A>C (p.Asn91His) missense change has a maximum subpopulation frequency of 0.011% in gnomAD v2.1.1. The in silico tool REVEL predicts a benign effect on protein function, but to our knowledge this prediction has not been confirmed by functional studies. To our knowledge, this variant has not been reported in individuals with rhabdoid tumor predisposition syndrome. In summary, the evidence currently available is insufficient to determine the clinical significance of this variant. It has therefore been classified as of uncertain significance.

Genome-Nilou Lab
Classification: Uncertain significance for Intellectual disability, autosomal dominant 16. Last evaluated: 2021-07-15. Review status: criteria provided, single submitter. Criteria: ACMG Guidelines, 2015. Collection method: clinical testing. Allele origin: germline. Affected: no.

NM_003072.5(SMARCA4):c.271A>C (p.Asn91His)

Gene: SMARCA4 (SWI/SNF related BAF chromatin remodeling complex subunit ATPase 4; plus strand). Cytogenetic location: 19p13.2.
Variant type: single nucleotide variant.
Coding change: c.271A>C on transcript NM_003072.5 (MANE Select); coding-DNA position 271, A replaced by C.
Protein change: p.Asn91His; replaces asparagine 91 with histidine.
Molecular consequence: missense variant. On other transcripts: non-coding transcript variant (1).
Genome position (GRCh38, 1-based): chr19:10,985,321, A>C. VCF-style: chr19-10985321-A-C. GRCh37 (hg19) VCF-style: chr19-11095997-A-C.
Other names: c.271A>C (NM_001128849.2); c.271A>C, p.Asn91His (NM_001128844.3, NM_001128845.2, NM_001128846.2 and 5 more transcripts); short protein forms N91H.
Identifiers: ClinVar variation 484913 (VCV000484913.33), dbSNP rs755987663, ClinGen allele CA9203448.